The following is an entry in ClinVar:

ClinVar aggregate classification (germline): Uncertain significance (1 of 4 stars; one submission).

Submission:

Ambry Genetics
Classification: Uncertain significance. Last evaluated: 2023-10-06. Review status: criteria provided, single submitter. Criteria: Ambry Variant Classification Scheme 2023. Collection method: clinical testing. Allele origin: germline.
Comment: The p.P1290T variant (also known as c.3868C>A), located in coding exon 17 of the NPAT gene, results from a C to A substitution at nucleotide position 3868. The proline at codon 1290 is replaced by threonine, an amino acid with highly similar properties. This amino acid position is conserved. In addition, the in silico prediction for this alteration is inconclusive. Since supporting evidence is limited at this time, the clinical significance of this alteration remains unclear.

NM_002519.3(NPAT):c.3868C>A (p.Pro1290Thr)

Gene: NPAT (nuclear protein, coactivator of histone transcription; minus strand). Cytogenetic location: 11q22.3.
Variant type: single nucleotide variant.
Coding change: c.3868C>A on transcript NM_002519.3 (MANE Select); coding-DNA position 3868, C replaced by A.
Protein change: p.Pro1290Thr; replaces proline 1290 with threonine.
Molecular consequence: missense variant.
Genome position (GRCh38, 1-based): chr11:108,161,218, G>T on the plus strand (C>A on the coding strand, the complement: NPAT is on the minus strand). VCF-style: chr11-108161218-G-T. GRCh37 (hg19) VCF-style: chr11-108031945-G-T.
Other names: c.3889C>A, p.Pro1297Thr (NM_001321307.1); short protein forms P1290T, P1297T.
Identifiers: ClinVar variation 3222605 (VCV003222605.1), dbSNP rs2496694307, ClinGen allele CA382509873.